The following is an entry in ClinVar:

NM_006379.5(SEMA3C):c.962T>C (p.Val321Ala)

Gene: SEMA3C (semaphorin 3C; minus strand). Cytogenetic location: 7q21.11.
Variant type: single nucleotide variant.
Coding change: c.962T>C on transcript NM_006379.5 (MANE Select); coding-DNA position 962, T replaced by C.
Protein change: p.Val321Ala; replaces valine 321 with alanine.
Molecular consequence: missense variant.
Genome position (GRCh38, 1-based): chr7:80,800,781, A>G on the plus strand (T>C on the coding strand, the complement: SEMA3C is on the minus strand). VCF-style: chr7-80800781-A-G. GRCh37 (hg19) VCF-style: chr7-80430097-A-G.
Other names: c.1016T>C, p.Val339Ala (NM_001350120.2); c.788T>C, p.Val263Ala (NM_001350121.2); c.1016T>C (NM_001350120.1); short protein forms V263A, V321A, V339A.
Identifiers: ClinVar variation 777405 (VCV000777405.7), dbSNP rs140244551, ClinGen allele CA4316264.

ClinVar aggregate classification (germline): Likely benign. Review status: criteria provided, multiple submitters, no conflicts (2 of 4 stars). 3 submissions from 3 submitters: Likely benign (2). 1 of the submissions does not count toward it. Last evaluated 2019-12-31.

Conditions:
SEMA3C-related disorder. Also called: SEMA3C-related condition.

Allele frequency attached by ClinVar (database versions not stated): 1000 Genomes Project 30x 0.00187; 1000 Genomes Project 0.00220; ExAC 0.00382; gnomAD exomes 0.00413 and 0.00698; TOPMed 0.00416; gnomAD 0.00438 and 0.00440; ESP Exome Variant Server 0.00585.
gnomAD v4.1: 10,225 of 1,529,686 alleles (0.67%); highest among the groups gnomAD compares: Non-Finnish European, 0.81%; 45 homozygotes.

Submissions (3):

Labcorp Genetics (formerly Invitae), Labcorp
Classification: Likely benign. Last evaluated: 2019-12-31. Review status: criteria provided, single submitter. Criteria: Invitae Variant Classification Sherloc (09022015). Collection method: clinical testing. Allele origin: germline.

Breakthrough Genomics
Classification: Likely benign. Review status: criteria provided, single submitter. Criteria: ACMG Guidelines, 2015. Collection method: not provided. Allele origin: germline. Inheritance: Unknown mechanism. Affected: yes.

PreventionGenetics, part of Exact Sciences
Classification: Likely benign for SEMA3C-related condition. Last evaluated: 2021-05-25. Review status: no assertion criteria provided. Collection method: clinical testing. Allele origin: germline. Not counted in ClinVar's aggregate classification.
Comment: This variant is classified as likely benign based on ACMG/AMP sequence variant interpretation guidelines (Richards et al. 2015 PMID: 25741868, with internal and published modifications).